The following is an entry in ClinVar:

NM_177438.3(DICER1):c.718C>G (p.Leu240Val)

Gene: DICER1 (dicer 1, ribonuclease III; minus strand). Cytogenetic location: 14q32.13.
Variant type: single nucleotide variant.
Coding change: c.718C>G on transcript NM_177438.3 (MANE Select); coding-DNA position 718, C replaced by G.
Protein change: p.Leu240Val; replaces leucine 240 with valine.
Molecular consequence: missense variant.
Genome position (GRCh38, 1-based): chr14:95,129,488, G>C on the plus strand (C>G on the coding strand, the complement: DICER1 is on the minus strand). VCF-style: chr14-95129488-G-C. GRCh37 (hg19) VCF-style: chr14-95595825-G-C.
Other names: c.718C>G, p.Leu240Val (NM_001195573.1, NM_001271282.3, NM_001291628.2 and 1 more transcripts); short protein forms L240V.
Identifiers: ClinVar variation 412100 (VCV000412100.11), dbSNP rs1060503615, ClinGen allele CA16614281.

ClinVar aggregate classification (germline): Uncertain significance. Review status: criteria provided, multiple submitters, no conflicts (2 of 4 stars). 2 submissions from 2 submitters: Uncertain significance (2). Last evaluated 2022-07-26.

Conditions:
DICER1-related tumor predisposition. Also called: DICER1-related pleuropulmonary blastoma cancer predisposition syndrome; DICER1 syndrome. Identifiers: Orphanet 284343, MedGen C3839822, MONDO:0100216.
Hereditary cancer-predisposing syndrome. Also called: Hereditary neoplastic syndrome; Neoplastic Syndromes, Hereditary; Tumor predisposition; Hereditary Cancer Syndrome. Identifiers: Orphanet 140162, MedGen C0027672, MeSH D009386, MONDO:0015356.

Submissions (2):

Ambry Genetics
Classification: Uncertain significance for Hereditary cancer-predisposing syndrome. Last evaluated: 2022-07-26. Review status: criteria provided, single submitter. Criteria: Ambry Variant Classification Scheme 2023. Collection method: clinical testing. Allele origin: germline.
Comment: The p.L240V variant (also known as c.718C>G), located in coding exon 5 of the DICER1 gene, results from a C to G substitution at nucleotide position 718. The leucine at codon 240 is replaced by valine, an amino acid with highly similar properties. This amino acid position is conserved. In addition, this alteration is predicted to be tolerated by in silico analysis. Since supporting evidence is limited at this time, the clinical significance of this alteration remains unclear.

Labcorp Genetics (formerly Invitae), Labcorp
Classification: Uncertain significance for DICER1-related tumor predisposition. Last evaluated: 2022-07-25. Review status: criteria provided, single submitter. Criteria: Invitae Variant Classification Sherloc (09022015). Collection method: clinical testing. Allele origin: germline.
Comment: This variant has not been reported in the literature in individuals affected with DICER1-related conditions. This variant is not present in population databases (gnomAD no frequency). This sequence change replaces leucine, which is neutral and non-polar, with valine, which is neutral and non-polar, at codon 240 of the DICER1 protein (p.Leu240Val). ClinVar contains an entry for this variant (Variation ID: 412100). In summary, the available evidence is currently insufficient to determine the role of this variant in disease. Therefore, it has been classified as a Variant of Uncertain Significance. Algorithms developed to predict the effect of missense changes on protein structure and function are either unavailable or do not agree on the potential impact of this missense change (SIFT: "Deleterious"; PolyPhen-2: "Benign"; Align-GVGD: "Class C15").